The following is an entry in ClinVar:

NM_000138.5(FBN1):c.5728G>C (p.Gly1910Arg)

Gene: FBN1 (fibrillin 1; minus strand). Cytogenetic location: 15q21.1.
Variant type: single nucleotide variant.
Coding change: c.5728G>C on transcript NM_000138.5 (MANE Select); coding-DNA position 5728, G replaced by C.
Protein change: p.Gly1910Arg; replaces glycine 1910 with arginine.
Molecular consequence: missense variant.
Genome position (GRCh38, 1-based): chr15:48,446,766, C>G on the plus strand (G>C on the coding strand, the complement: FBN1 is on the minus strand). VCF-style: chr15-48446766-C-G. GRCh37 (hg19) VCF-style: chr15-48738963-C-G.
Other names: c.5728G>C, p.Gly1910Arg (NM_001406716.1); short protein forms G1910R.
Identifiers: ClinVar variation 4789642 (VCV004789642.1).

ClinVar aggregate classification (germline): Likely pathogenic (1 of 4 stars; one submission).

Conditions:
Marfan syndrome (MFS). Also called: FBN1-Related Marfan Syndrome; MARFAN SYNDROME, TYPE I; Marfan syndrome type 1; Marfan's syndrome; Marfan syndrome, classic. Identifiers: Orphanet 284963, Orphanet 558, MedGen C0024796, MONDO:0007947, OMIM 154700.
Familial thoracic aortic aneurysm and aortic dissection (TAAD). Also called: Thoracic aortic aneurysms and dissections. Identifiers: Orphanet 91387, MedGen C4707243, MONDO:0019625.

Submission:

Labcorp Genetics (formerly Invitae), Labcorp
Classification: Likely pathogenic for Marfan syndrome; Familial thoracic aortic aneurysm and aortic dissection. Last evaluated: 2025-05-19. Review status: criteria provided, single submitter. Criteria: Invitae Variant Classification Sherloc (09022015). Collection method: clinical testing. Allele origin: germline.
Comment: This sequence change replaces glycine, which is neutral and non-polar, with arginine, which is basic and polar, at codon 1910 of the FBN1 protein (p.Gly1910Arg). This variant is not present in population databases (gnomAD no frequency). This variant has not been reported in the literature in individuals affected with FBN1-related conditions. Invitae Evidence Modeling of protein sequence and biophysical properties (such as structural, functional, and spatial information, amino acid conservation, physicochemical variation, residue mobility, and thermodynamic stability) indicates that this missense variant is expected to disrupt FBN1 protein function with a positive predictive value of 95%. This variant disrupts the p.Gly1910 amino acid residue in FBN1. Other variant(s) that disrupt this residue have been determined to be pathogenic (PMID: 10189222). This suggests that this residue is clinically significant, and that variants that disrupt this residue are likely to be disease-causing. In summary, the currently available evidence indicates that the variant is pathogenic, but additional data are needed to prove that conclusively. Therefore, this variant has been classified as Likely Pathogenic.

Literature cited by the submitters: PubMed 10189222.